The following is an entry in ClinVar:

ClinVar aggregate classification (germline): Likely benign (1 of 4 stars; one submission).

gnomAD v4.1: 57 of 152,292 alleles (0.037%); highest among the groups gnomAD compares: South Asian, 1.1%; no homozygotes.

Submission:

CeGaT Center for Human Genetics Tuebingen
Classification: Likely benign. Last evaluated: 2026-02-01. Review status: criteria provided, single submitter. Criteria: CeGaT Center For Human Genetics Tuebingen Variant Classification Criteria Version 2. Collection method: clinical testing. Allele origin: germline. Affected: yes. Observed: 1 variant allele.
Comment: OCLN: BS1

NM_001205254.2(OCLN):c.891+5941C>G

Gene: OCLN (occludin; plus strand). Cytogenetic location: 5q13.2.
Variant type: single nucleotide variant.
Coding change: c.891+5941C>G on transcript NM_001205254.2 (MANE Select); 5941 bases into the intron after coding-DNA position 891, C replaced by G.
Molecular consequence: intron variant.
Genome position (GRCh38, 1-based): chr5:69,520,050, C>G. VCF-style: chr5-69520050-C-G. GRCh37 (hg19) VCF-style: chr5-68815877-C-G.
Other names: c.891+5941C>G (NM_001438604.1, NM_002538.4); c.729+10231C>G (NM_001410743.1, NM_001438048.1); c.138+5941C>G (NM_001205255.2).
Identifiers: ClinVar variation 4822482 (VCV004822482.4).